The following is an entry in ClinVar:

ClinVar aggregate classification (germline): Uncertain significance (1 of 4 stars; one submission).

Conditions:
ABCB11-related disorder. Also called: ABCB11-related condition.

Submission:

PreventionGenetics, part of Exact Sciences
Classification: Uncertain significance for ABCB11-related condition. Last evaluated: 2025-06-16. Review status: criteria provided, single submitter. Criteria: ACMG Guidelines, 2015. Collection method: clinical testing. Allele origin: germline.
Comment: The ABCB11 c.3898C>T variant is predicted to result in the amino acid substitution p.His1300Tyr. To our knowledge, this variant has not been reported in the literature or in a large population database (gnomAD), indicating this variant is rare. At this time, the clinical significance of this variant is uncertain due to the absence of conclusive functional and genetic evidence.

NM_003742.4(ABCB11):c.3898C>T (p.His1300Tyr)

Gene: ABCB11 (ATP binding cassette subfamily B member 11; minus strand). Cytogenetic location: 2q31.1.
Variant type: single nucleotide variant.
Coding change: c.3898C>T on transcript NM_003742.4 (MANE Select); coding-DNA position 3898, C replaced by T.
Protein change: p.His1300Tyr; replaces histidine 1300 with tyrosine.
Molecular consequence: missense variant.
Genome position (GRCh38, 1-based): chr2:168,923,690, G>A on the plus strand (C>T on the coding strand, the complement: ABCB11 is on the minus strand). VCF-style: chr2-168923690-G-A. GRCh37 (hg19) VCF-style: chr2-169780200-G-A.
Other names: short protein forms H1300Y.
Identifiers: ClinVar variation 4989261 (VCV004989261.1).
Genomic context (GRCh38, chr2:168,923,690, plus strand): 5'-TGGGGGATCCAGTGGTGACTAGTTTGTAGTAGGCTCCTTTTTGGGCCATCAGTTCTTCAT[G>A]GGTCCCCTTTTCAATCACCACCCCCTGTGCCATGACAGCAATGATATCCGCGTTCTGGAT-3'
Protein context (NP_003733.2, residues 1290-1310): AQGVVIEKGT[His1300Tyr]EELMAQKGAY